The following is an entry in ClinVar:

ClinVar aggregate classification (germline): Pathogenic (1 of 4 stars; one submission).

Conditions:
Hereditary cancer-predisposing syndrome. Also called: Tumor predisposition; Hereditary neoplastic syndrome; Neoplastic Syndromes, Hereditary; Hereditary Cancer Syndrome. Identifiers: Orphanet 140162, MedGen C0027672, MeSH D009386, MONDO:0015356.

Submission:

Ambry Genetics
Classification: Pathogenic for Hereditary cancer-predisposing syndrome. Last evaluated: 2025-05-29. Review status: criteria provided, single submitter. Criteria: Ambry Variant Classification Scheme 2023. Collection method: clinical testing. Allele origin: germline.
Comment: The c.939delAins26 pathogenic mutation, located in coding exon 9 of the BRCA1 gene, results from the deletion of one nucleotide and insertion of 26 nucleotides causing a translational frameshift with a predicted alternate stop codon (p.L313Ffs*15). This variant is considered to be rare based on population cohorts in the Genome Aggregation Database (gnomAD). This alteration is expected to result in loss of function by premature protein truncation or nonsense-mediated mRNA decay. As such, this alteration is interpreted as a disease-causing mutation.

NM_007294.4(BRCA1):c.939delinsTTTGCTGGCTTTTTGCTGTTATGTTG (p.Leu313fs)

Gene: BRCA1 (BRCA1 DNA repair associated; minus strand). Cytogenetic location: 17q21.31.
Variant type: Indel.
Coding change: c.939delinsTTTGCTGGCTTTTTGCTGTTATGTTG on transcript NM_007294.4 (MANE Select); coding-DNA position 939, A replaced by TTTGCTGGCTTTTTGCTGTTATGTTG.
Protein change: p.Leu313fs; shifts the reading frame from leucine 313.
Molecular consequence: frameshift variant. On other transcripts: intron variant (137).
Genome position (GRCh38, 1-based): chr17:43,094,592, T replaced by CAACATAACAGCAAAAAGCCAGCAAA on the plus strand (A replaced by TTTGCTGGCTTTTTGCTGTTATGTTG on the coding strand, the reverse complement: BRCA1 is on the minus strand). VCF-style: chr17-43094592-T-CAACATAACAGCAAAAAGCCAGCAAA. GRCh37 (hg19) VCF-style: chr17-41246609-T-CAACATAACAGCAAAAAGCCAGCAAA.
Other names: c.936delinsTTTGCTGGCTTTTTGCTGTTATGTTG, p.Leu312fs (NM_001407636.1, NM_001407637.1, NM_001407638.1 and 22 more transcripts); c.795delinsTTTGCTGGCTTTTTGCTGTTATGTTG, p.Leu265fs (NM_001407741.1, NM_001407742.1, NM_001407743.1 and 20 more transcripts); c.939delinsTTTGCTGGCTTTTTGCTGTTATGTTG, p.Leu313fs (NM_001407640.1, NM_001407641.1, NM_001407642.1 and 30 more transcripts); c.861delinsTTTGCTGGCTTTTTGCTGTTATGTTG, p.Leu287fs (NM_001407658.1, NM_001407663.1, NM_001407653.1 and 4 more transcripts); c.858delinsTTTGCTGGCTTTTTGCTGTTATGTTG, p.Leu286fs (NM_001407659.1, NM_001407660.1, NM_001407661.1 and 1 more transcripts); c.816delinsTTTGCTGGCTTTTTGCTGTTATGTTG, p.Leu272fs (NM_001407664.1, NM_001407665.1, NM_001407674.1 and 19 more transcripts); c.813delinsTTTGCTGGCTTTTTGCTGTTATGTTG, p.Leu271fs (NM_001407673.1, NM_001407688.1, NM_001407689.1 and 11 more transcripts); c.798delinsTTTGCTGGCTTTTTGCTGTTATGTTG, p.Leu266fs (NM_001407692.1, NM_001407694.1, NM_001407695.1 and 29 more transcripts); and 40 more; short protein forms L287fs, L224fs, L243fs, L246fs, L272fs, L286fs, L312fs, L185fs.
Identifiers: ClinVar variation 3992632 (VCV003992632.1).